The following is an entry in ClinVar:

ClinVar aggregate classification (germline): Uncertain significance (1 of 4 stars; one submission).

Conditions:
Developmental and epileptic encephalopathy, 30 (DEE30). Also called: Epileptic encephalopathy, early infantile, 30. Identifiers: MedGen C4225360, MONDO:0014595, OMIM 616341.

Allele frequency attached by ClinVar (database versions not stated): ExAC 0.00001.

Submission:

Labcorp Genetics (formerly Invitae), Labcorp
Classification: Uncertain significance for Developmental and epileptic encephalopathy, 30. Last evaluated: 2023-09-22. Review status: criteria provided, single submitter. Criteria: Invitae Variant Classification Sherloc (09022015). Collection method: clinical testing. Allele origin: germline.
Comment: This sequence change replaces glycine, which is neutral and non-polar, with glutamic acid, which is acidic and polar, at codon 560 of the SIK1 protein (p.Gly560Glu). This variant is present in population databases (rs776089754, gnomAD 0.007%). This variant has not been reported in the literature in individuals affected with SIK1-related conditions. Advanced modeling of protein sequence and biophysical properties (such as structural, functional, and spatial information, amino acid conservation, physicochemical variation, residue mobility, and thermodynamic stability) performed at Invitae indicates that this missense variant is not expected to disrupt SIK1 protein function. In summary, the available evidence is currently insufficient to determine the role of this variant in disease. Therefore, it has been classified as a Variant of Uncertain Significance.

NM_173354.5(SIK1):c.1679G>A (p.Gly560Glu)

Gene: SIK1 (salt inducible kinase 1; minus strand). Cytogenetic location: 21q22.3.
Variant type: single nucleotide variant.
Coding change: c.1679G>A on transcript NM_173354.5 (MANE Select); coding-DNA position 1679, G replaced by A.
Protein change: p.Gly560Glu; replaces glycine 560 with glutamic acid.
Molecular consequence: missense variant.
Genome position (GRCh38, 1-based): chr21:43,418,325, C>T on the plus strand (G>A on the coding strand, the complement: SIK1 is on the minus strand). VCF-style: chr21-43418325-C-T. GRCh37 (hg19) VCF-style: chr21-44838205-C-T.
Other names: short protein forms G560E.
Identifiers: ClinVar variation 3009965 (VCV003009965.3), dbSNP rs776089754, ClinGen allele CA321325335.